The following is an entry in ClinVar:

NM_003072.5(SMARCA4):c.1813-1G>C

Gene: SMARCA4 (SWI/SNF related BAF chromatin remodeling complex subunit ATPase 4; plus strand). Cytogenetic location: 19p13.2.
Variant type: single nucleotide variant.
Coding change: c.1813-1G>C on transcript NM_003072.5 (MANE Select); the canonical splice acceptor site of the intron before coding-DNA position 1813, G replaced by C.
Molecular consequence: splice acceptor variant.
Genome position (GRCh38, 1-based): chr19:11,003,028, G>C. VCF-style: chr19-11003028-G-C. GRCh37 (hg19) VCF-style: chr19-11113704-G-C.
Other names: c.1813-1G>C (NM_001128844.3, NM_001128849.3, NM_001128847.4 and 6 more transcripts).
Identifiers: ClinVar variation 2712567 (VCV002712567.3), dbSNP rs2146094265, ClinGen allele CA404051379.

ClinVar aggregate classification (germline): Likely pathogenic (1 of 4 stars; one submission).

Conditions:
Rhabdoid tumor predisposition syndrome 2 (RTPS2). Identifiers: Orphanet 231108, Orphanet 69077, MedGen C2750074, MONDO:0013224, OMIM 613325.

Submission:

Labcorp Genetics (formerly Invitae), Labcorp
Classification: Likely pathogenic for Rhabdoid tumor predisposition syndrome 2. Last evaluated: 2024-01-26. Review status: criteria provided, single submitter. Criteria: Invitae Variant Classification Sherloc (09022015). Collection method: clinical testing. Allele origin: germline.
Comment: This sequence change affects an acceptor splice site in intron 11 of the SMARCA4 gene. It is expected to disrupt RNA splicing. Variants that disrupt the donor or acceptor splice site typically lead to a loss of protein function (PMID: 16199547), and loss-of-function variants in SMARCA4 are known to be pathogenic (PMID: 24658001, 24658002). This variant is not present in population databases (gnomAD no frequency). This variant has not been reported in the literature in individuals affected with SMARCA4-related conditions. Algorithms developed to predict the effect of sequence changes on RNA splicing suggest that this variant may disrupt the consensus splice site. In summary, the currently available evidence indicates that the variant is pathogenic, but additional data are needed to prove that conclusively. Therefore, this variant has been classified as Likely Pathogenic.

Literature cited by the submitters: PubMed 16199547; PubMed 24658001; PubMed 24658002.